The following is an entry in ClinVar:

ClinVar aggregate classification (germline): Uncertain significance. Review status: criteria provided, multiple submitters, no conflicts (2 of 4 stars). 2 submissions from 2 submitters: Uncertain significance (2). Last evaluated 2025-11-08.

Conditions:
Inborn genetic diseases. Identifiers: MedGen C0950123, MeSH D030342.

Allele frequency attached by ClinVar (database versions not stated): gnomAD 0.00001; gnomAD exomes 0.00001; TOPMed 0.00002.
gnomAD v4.1: 6 of 1,614,064 alleles (0.00037%); highest among the groups gnomAD compares: Admixed American, 0.0067%; no homozygotes.

Submissions (2):

Ambry Genetics
Classification: Uncertain significance for Inborn genetic diseases. Last evaluated: 2025-11-08. Review status: criteria provided, single submitter. Criteria: Ambry Variant Classification Scheme 2023. Collection method: clinical testing. Allele origin: germline.

Labcorp Genetics (formerly Invitae), Labcorp
Classification: Uncertain significance. Last evaluated: 2022-07-18. Review status: criteria provided, single submitter. Criteria: Invitae Variant Classification Sherloc (09022015). Collection method: clinical testing. Allele origin: germline.
Comment: This sequence change replaces threonine, which is neutral and polar, with alanine, which is neutral and non-polar, at codon 424 of the CDH3 protein (p.Thr424Ala). This variant is present in population databases (no rsID available, gnomAD 0.009%). This variant has not been reported in the literature in individuals affected with CDH3-related conditions. ClinVar contains an entry for this variant (Variation ID: 933718). Algorithms developed to predict the effect of missense changes on protein structure and function are either unavailable or do not agree on the potential impact of this missense change (SIFT: "Not Available"; PolyPhen-2: "Probably Damaging"; Align-GVGD: "Not Available"). In summary, the available evidence is currently insufficient to determine the role of this variant in disease. Therefore, it has been classified as a Variant of Uncertain Significance.

NM_001793.6(CDH3):c.1270A>G (p.Thr424Ala)

Gene: CDH3 (cadherin 3; plus strand). Cytogenetic location: 16q22.1.
Variant type: single nucleotide variant.
Coding change: c.1270A>G on transcript NM_001793.6 (MANE Select); coding-DNA position 1270, A replaced by G.
Protein change: p.Thr424Ala; replaces threonine 424 with alanine.
Molecular consequence: missense variant.
Genome position (GRCh38, 1-based): chr16:68,684,670, A>G. VCF-style: chr16-68684670-A-G. GRCh37 (hg19) VCF-style: chr16-68718573-A-G.
Other names: c.1270A>G (NM_001793.4); c.1270A>G, p.Thr424Ala (NM_001317195.3); c.1105A>G, p.Thr369Ala (NM_001317196.2); short protein forms T369A, T424A.
Identifiers: ClinVar variation 933718 (VCV000933718.8), dbSNP rs80256428, ClinGen allele CA283280157.
Genomic context (GRCh38, chr16:68,684,670, plus strand): 5'-CACACCCTGTACGTTGAAGTGACCAACGAGGCCCCTTTTGTGCTGAAGCTCCCAACCTCC[A>G]CAGCCACCATAGTGGTCCACGTGGAGGATGTGAATGAGGCACCTGTGTTTGTCCCACCCT-3'
Protein context (NP_001784.2, residues 414-434): APFVLKLPTS[Thr424Ala]ATIVVHVEDV